The following is an entry in ClinVar:

ClinVar aggregate classification (germline): Uncertain significance (1 of 4 stars; one submission).

gnomAD v4.1: 2 of 1,201,775 alleles (0.00017%); highest among the groups gnomAD compares: African/African-American, 0.0035%; no homozygotes.

Submission:

Labcorp Genetics (formerly Invitae), Labcorp
Classification: Uncertain significance. Last evaluated: 2025-09-19. Review status: criteria provided, single submitter. Criteria: Invitae Variant Classification Sherloc (09022015). Collection method: clinical testing. Allele origin: germline.
Comment: This sequence change falls in intron 36 of the BRWD3 gene. It does not directly change the encoded amino acid sequence of the BRWD3 protein. It affects a nucleotide within the consensus splice site. This variant is not present in population databases (gnomAD no frequency). This variant has not been reported in the literature in individuals affected with BRWD3-related conditions. Variants that disrupt the consensus splice site are a relatively common cause of aberrant splicing (PMID: 17576681, 9536098). Algorithms developed to predict the effect of sequence changes on RNA splicing suggest that this variant is not likely to affect RNA splicing. In summary, the available evidence is currently insufficient to determine the role of this variant in disease. Therefore, it has been classified as a Variant of Uncertain Significance.

Literature cited by the submitters: PubMed 17576681; PubMed 9536098.

NM_153252.5(BRWD3):c.4080+4G>A

Gene: BRWD3 (bromodomain and WD repeat domain containing 3; minus strand). Cytogenetic location: Xq21.1.
Variant type: single nucleotide variant.
Coding change: c.4080+4G>A on transcript NM_153252.5 (MANE Select); 4 bases into the intron after coding-DNA position 4080, G replaced by A.
Molecular consequence: intron variant.
Genome position (GRCh38, 1-based): chrX:80,685,458, C>T on the plus strand (G>A on the coding strand, the complement: BRWD3 is on the minus strand). VCF-style: chrX-80685458-C-T. GRCh37 (hg19) VCF-style: chrX-79940957-C-T.
Other names: c.3930+4G>A (NM_001441339.1).
Identifiers: ClinVar variation 4811425 (VCV004811425.1).